The following is an entry in ClinVar:

NM_001144967.3(NEDD4L):c.2798C>G (p.Pro933Arg)

Gene: NEDD4L (NEDD4 like E3 ubiquitin protein ligase; plus strand). Cytogenetic location: 18q21.31.
Variant type: single nucleotide variant.
Coding change: c.2798C>G on transcript NM_001144967.3 (MANE Select); coding-DNA position 2798, C replaced by G.
Protein change: p.Pro933Arg; replaces proline 933 with arginine.
Molecular consequence: missense variant.
Genome position (GRCh38, 1-based): chr18:58,391,532, C>G. VCF-style: chr18-58391532-C-G. GRCh37 (hg19) VCF-style: chr18-56058764-C-G.
Other names: c.2435C>G, p.Pro812Arg (NM_001144964.1, NM_001144965.2, NM_001144966.3); c.2774C>G, p.Pro925Arg (NM_001144968.2); c.2714C>G, p.Pro905Arg (NM_001144969.2); c.2375C>G, p.Pro792Arg (NM_001144970.3, NM_001144971.2); c.2606C>G, p.Pro869Arg (NM_001243960.2); c.2738C>G, p.Pro913Arg (NM_015277.6); c.2738C>G (NM_015277.5); short protein forms P792R, P812R, P869R, P905R, P913R, P925R, P933R.
Identifiers: ClinVar variation 1018461 (VCV001018461.9), dbSNP rs2049836298, ClinGen allele CA402562017.

ClinVar aggregate classification (germline): Uncertain significance. Review status: criteria provided, multiple submitters, no conflicts (2 of 4 stars). 2 submissions from 2 submitters: Uncertain significance (2). Last evaluated 2024-05-06.

Conditions:
Inborn genetic diseases. Identifiers: MedGen C0950123, MeSH D030342.

Submissions (2):

Ambry Genetics
Classification: Uncertain significance for Inborn genetic diseases. Last evaluated: 2024-05-06. Review status: criteria provided, single submitter. Criteria: Ambry Variant Classification Scheme 2023. Collection method: clinical testing. Allele origin: germline.

Labcorp Genetics (formerly Invitae), Labcorp
Classification: Uncertain significance. Last evaluated: 2023-08-17. Review status: criteria provided, single submitter. Criteria: Invitae Variant Classification Sherloc (09022015). Collection method: clinical testing. Allele origin: germline.
Comment: In summary, the available evidence is currently insufficient to determine the role of this variant in disease. Therefore, it has been classified as a Variant of Uncertain Significance. Advanced modeling of protein sequence and biophysical properties (such as structural, functional, and spatial information, amino acid conservation, physicochemical variation, residue mobility, and thermodynamic stability) performed at Invitae indicates that this missense variant is not expected to disrupt NEDD4L protein function. ClinVar contains an entry for this variant (Variation ID: 1018461). This variant has not been reported in the literature in individuals affected with NEDD4L-related conditions. This variant is not present in population databases (gnomAD no frequency). This sequence change replaces proline, which is neutral and non-polar, with arginine, which is basic and polar, at codon 913 of the NEDD4L protein (p.Pro913Arg).